The following is an entry in ClinVar:

ClinVar aggregate classification (germline): Uncertain significance (1 of 4 stars; one submission).

Submission:

Ambry Genetics
Classification: Uncertain significance. Last evaluated: 2024-06-30. Review status: criteria provided, single submitter. Criteria: Ambry Variant Classification Scheme 2023. Collection method: clinical testing. Allele origin: germline.
Comment: The p.P2231S variant (also known as c.6691C>T), located in coding exon 22 of the POLQ gene, results from a C to T substitution at nucleotide position 6691. The proline at codon 2231 is replaced by serine, an amino acid with similar properties. This amino acid position is conserved. In addition, this alteration is predicted to be tolerated by in silico analysis. Based on the available evidence, the clinical significance of this variant remains unclear.

NM_199420.4(POLQ):c.6691C>T (p.Pro2231Ser)

Gene: POLQ (DNA polymerase theta; minus strand). Cytogenetic location: 3q13.33.
Variant type: single nucleotide variant.
Coding change: c.6691C>T on transcript NM_199420.4 (MANE Select); coding-DNA position 6691, C replaced by T.
Protein change: p.Pro2231Ser; replaces proline 2231 with serine.
Molecular consequence: missense variant.
Genome position (GRCh38, 1-based): chr3:121,472,017, G>A on the plus strand (C>T on the coding strand, the complement: POLQ is on the minus strand). VCF-style: chr3-121472017-G-A. GRCh37 (hg19) VCF-style: chr3-121190864-G-A.
Other names: short protein forms P2231S.
Identifiers: ClinVar variation 3422423 (VCV003422423.1).